The following is an entry in ClinVar:

NM_000163.5(GHR):c.950G>A (p.Gly317Glu)

Gene: GHR (growth hormone receptor; plus strand). Cytogenetic location: 5p12.
Variant type: single nucleotide variant.
Coding change: c.950G>A on transcript NM_000163.5 (MANE Select); coding-DNA position 950, G replaced by A.
Protein change: p.Gly317Glu; replaces glycine 317 with glutamic acid.
Molecular consequence: missense variant.
Genome position (GRCh38, 1-based): chr5:42,718,457, G>A. VCF-style: chr5-42718457-G-A. GRCh37 (hg19) VCF-style: chr5-42718559-G-A.
Other names: c.971G>A, p.Gly324Glu (NM_001242399.2); c.950G>A, p.Gly317Glu (NM_001242400.2, NM_001242401.4, NM_001242402.2 and 4 more transcripts); c.884G>A, p.Gly295Glu (NM_001242460.2); c.880G>A, p.Glu294Lys (NM_001242462.1); short protein forms G317E, G324E, E294K, G295E.
Identifiers: ClinVar variation 1898794 (VCV001898794.5), dbSNP rs867392523, ClinGen allele CA117804600.
Genomic context (GRCh38, chr5:42,718,457, plus strand): 5'-CATTTAATTATTATGAGTTTCTTTTCATAGATCTTCATTTTCTTTCTATTTTCTAGGAAG[G>A]AAAATTAGAGGAGGTGAACACAATCTTAGCCATTCATGATAGCTATAAACCCGAATTCCA-3'
Protein context (NP_000154.1, residues 307-327): KGIDPDLLKE[Gly317Glu]KLEEVNTILA

ClinVar aggregate classification (germline): Uncertain significance (1 of 4 stars; one submission).

Allele frequency attached by ClinVar (database versions not stated): gnomAD exomes below 0.00001.
gnomAD v4.1: 1 of 1,606,454 alleles (0.000062%); highest among the groups gnomAD compares: Non-Finnish European, 0.000085%; no homozygotes.

Submission:

Labcorp Genetics (formerly Invitae), Labcorp
Classification: Uncertain significance. Last evaluated: 2022-10-05. Review status: criteria provided, single submitter. Criteria: Invitae Variant Classification Sherloc (09022015). Collection method: clinical testing. Allele origin: germline.
Comment: This sequence change replaces glycine, which is neutral and non-polar, with glutamic acid, which is acidic and polar, at codon 317 of the GHR protein (p.Gly317Glu). This variant is not present in population databases (gnomAD no frequency). This variant has not been reported in the literature in individuals affected with GHR-related conditions. Advanced modeling of protein sequence and biophysical properties (such as structural, functional, and spatial information, amino acid conservation, physicochemical variation, residue mobility, and thermodynamic stability) performed at Invitae indicates that this missense variant is expected to disrupt GHR protein function. In summary, the available evidence is currently insufficient to determine the role of this variant in disease. Therefore, it has been classified as a Variant of Uncertain Significance.